The following is an entry in ClinVar:

ClinVar aggregate classification (germline): Conflicting classifications of pathogenicity. Review status: criteria provided, conflicting classifications (1 of 4 stars). 3 submissions from 3 submitters: Pathogenic (1); Likely pathogenic (1); Uncertain significance (1). Last evaluated 2024-11-14.

Conditions:
Propionic acidemia (PROP). Also called: GLYCINEMIA, KETOTIC; HYPERGLYCINEMIA WITH KETOACIDOSIS AND LEUKOPENIA; KETOTIC HYPERGLYCINEMIA. Identifiers: Orphanet 35, MedGen C0268579, MONDO:0011628, OMIM 606054, HP:0003571.

Submissions (3):

Natera, Inc.
Classification: Likely pathogenic for Propionic acidemia. Last evaluated: 2024-11-14. Review status: criteria provided, single submitter. Criteria: Natera Variant Classification Schema (03/2026). Collection method: clinical testing. Allele origin: germline.
Comment: The c.653A>G variant in PCCB is a missense variant predicted to cause substitution of lysine to arginine at amino acid 218. This variant is rare in the general population with a frequency below the threshold expected for the associated phenotype(s). This variant has been observed in one or more individuals affected with the associated recessive disease, as either homozygous or compound heterozygous with a second variant (PMID: 12007220). This variant has been identified in one or more affected individuals with a phenotype highly consistent with the associated gene (PMID: 12007220). Functional studies show that this variant may disrupt protein function (PMID: 15235904). Given the available evidence, this variant is classified as Likely Pathogenic.

Fulgent Genetics
Classification: Pathogenic for Propionic acidemia. Last evaluated: 2024-05-16. Review status: criteria provided, single submitter. Criteria: ACMG Guidelines, 2015. Collection method: clinical testing. Allele origin: germline.

Women's Health and Genetics/Laboratory Corporation of America, LabCorp
Classification: Uncertain significance. Last evaluated: 2024-05-15. Review status: criteria provided, single submitter. Criteria: LabCorp Variant Classification Summary - May 2015. Collection method: clinical testing. Allele origin: germline.
Comment: Variant summary: PCCB c.653A>G (p.Lys218Arg) results in a conservative amino acid change in the encoded protein sequence. Three of five in-silico tools predict a benign effect of the variant on protein function. Several computational tools predict a significant impact on normal splicing: Four predict the variant creates a 5' donor site. Two predict the variant weakens a 5' donor site. Two predict the variant no significant impact on splicing. An experimental study has shown that this variant creates a cryptic splice site 6 nucleotides upstream leading to an in-frame six-nucleotide deletion (Clavero_2004). The variant was absent in 251350 control chromosomes. c.653A>G has been reported in the literature in at least two individual affected with Propionic Acidemia (Perez-Cedra_2003, Muro_2001). These data indicate that the variant may be associated with disease. Two publications report experimental evidence evaluating an impact on protein function. The most pronounced variant effect results in >70% of normal activity in an in vitro assayy in PCCB-deficient cells (Perez-Cedra_2003). The following publications have been ascertained in the context of this evaluation (PMID: 15235904, 11749052, 12757933). No submitters have cited clinical-significance assessments for this variant to ClinVar. Based on the evidence outlined above, the variant was classified as VUS-possibly pathogenic.

Literature cited by the submitters: PubMed 12007220 (cited by Natera, Inc.); PubMed 15235904 (cited by Natera, Inc. and Women's Health and Genetics/Laboratory Corporation of America, LabCorp); PubMed 12757933 (cited by Women's Health and Genetics/Laboratory Corporation of America, LabCorp); PubMed 11749052 (cited by Women's Health and Genetics/Laboratory Corporation of America, LabCorp).

NM_000532.5(PCCB):c.653A>G (p.Lys218Arg)

Gene: PCCB (propionyl-CoA carboxylase subunit beta; plus strand). Cytogenetic location: 3q22.3.
Variant type: single nucleotide variant.
Coding change: c.653A>G on transcript NM_000532.5 (MANE Select); coding-DNA position 653, A replaced by G.
Protein change: p.Lys218Arg; replaces lysine 218 with arginine.
Molecular consequence: missense variant.
Genome position (GRCh38, 1-based): chr3:136,283,946, A>G. VCF-style: chr3-136283946-A-G. GRCh37 (hg19) VCF-style: chr3-136002788-A-G.
Other names: c.653A>G (NM_000532.4); c.713A>G, p.Lys238Arg (NM_001178014.2); short protein forms K218R, K238R.
Identifiers: ClinVar variation 3336583 (VCV003336583.3).